The following is an entry in ClinVar:

ClinVar aggregate classification (germline): Conflicting classifications of pathogenicity. Review status: criteria provided, conflicting classifications (1 of 4 stars). 8 submissions from 7 submitters: Uncertain significance (2); Benign (1); Likely benign (3). 2 of the submissions do not count toward it. Last evaluated 2026-02-02.

Conditions:
GLB1-related disorder. Also called: GLB1-related disorders. Identifiers: MedGen CN377807.
Infantile GM1 gangliosidosis. Also called: Gangliosidosis, Generalized GM1, Type 1; GM1-gangliosidosis, type I; Gangliosidosis, generalized GM1, infantile form; GLB1 deficiency; GM1 gangliosidosis type 1. Identifiers: Orphanet 354, Orphanet 79255, MedGen C0268271, MONDO:0009260, OMIM 230500.
Mucopolysaccharidosis, MPS-IV-B (MPS4B). Also called: MORQUIO SYNDROME B; Mucopolysaccharidosis Type IVB (Morquio B Disease); Mucopolysaccharidosis type IV B; Mucopolysaccharidosis Type IVB; Mucopolysaccharidosis type IVB (Morquio); MPS IVB. Identifiers: Orphanet 309310, Orphanet 582, MedGen C0086652, MONDO:0009660, OMIM 253010.
GM1 gangliosidosis type 3. Also called: GM1-GANGLIOSIDOSIS, TYPE III; Gangliosidosis, Generalized GM1, Type 3; Beta-galactosidase deficiency; Adult GM1 gangliosidosis; Type 3 (adult) GM1 gangliosidosis; GANGLIOSIDOSIS, GENERALIZED GM1, ADULT TYPE. Identifiers: Orphanet 79257, MedGen C0268273, MONDO:0009262, OMIM 230650.
GM1 gangliosidosis type 2. Also called: GM1-GANGLIOSIDOSIS, TYPE II; Gangliosidosis, Generalized GM1, Type 2; Juvenile GM>1< gangliosidosis; GANGLIOSIDOSIS, GENERALIZED GM1, JUVENILE TYPE; GANGLIOSIDOSIS, GENERALIZED GM1, TYPE II. Identifiers: Orphanet 354, Orphanet 79256, MedGen C0268272, MONDO:0009261, OMIM 230600.
GM1 gangliosidosis. Identifiers: Orphanet 354, MedGen C0085131, MONDO:0018149.

Allele frequency attached by ClinVar (database versions not stated): 1000 Genomes Project 30x 0.00219; 1000 Genomes Project 0.00220; ESP Exome Variant Server 0.00260; TOPMed 0.00275.
gnomAD v4.1: 886 of 1,613,862 alleles (0.055%); highest among the groups gnomAD compares: African/African-American, 0.82%; 4 homozygotes.

Submissions (8):

Labcorp Genetics (formerly Invitae), Labcorp
Classification: Likely benign for Mucopolysaccharidosis, MPS-IV-B; GM1 gangliosidosis. Last evaluated: 2026-02-02. Review status: criteria provided, single submitter. Criteria: Invitae Variant Classification Sherloc (09022015). Collection method: clinical testing. Allele origin: germline.

Mayo Clinic Laboratories, Mayo Clinic
Classification: Likely benign. Last evaluated: 2025-04-15. Review status: criteria provided, single submitter. Criteria: ACMG Guidelines, 2015. Collection method: clinical testing. Allele origin: germline. Observed: 3 variant alleles.
Comment: BS1, BP4_moderate

Blueprint Genetics
Classification: Likely benign. Last evaluated: 2024-11-13. Review status: criteria provided, single submitter. Criteria: ACMG Guidelines, 2015. Collection method: clinical testing. Allele origin: germline.

Women's Health and Genetics/Laboratory Corporation of America, LabCorp
Classification: Benign. Last evaluated: 2022-03-03. Review status: criteria provided, single submitter. Criteria: LabCorp Variant Classification Summary - May 2015. Collection method: clinical testing. Allele origin: germline.
Comment: Variant summary: GLB1 c.1310A>G (p.Asn437Ser) results in a conservative amino acid change in the encoded protein sequence. Five of five in-silico tools predict a benign effect of the variant on protein function. The variant allele was found at a frequency of 0.0025 in 151860 control chromosomes, predominantly at a frequency of 0.0085 within the African or African-American subpopulation in the gnomAD database, including 2 homozygotes (gnomAD v3.1). The observed variant frequency within African or African-American control individuals in the gnomAD database is approximately 9-fold of the estimated maximal expected allele frequency for a pathogenic variant in GLB1 causing Mucopolysaccharidosis Type IVB (Morquio Syndrome B) phenotype (0.00091), strongly suggesting that the variant is a benign polymorphism found primarily in populations of African or African-American origin. To our knowledge, no occurrence of c.1310A>G in individuals affected with Mucopolysaccharidosis Type IVB (Morquio Syndrome B) and no experimental evidence demonstrating its impact on protein function have been reported. Three clinical diagnostic laboratories have submitted clinical-significance assessments for this variant to ClinVar after 2014 without evidence for independent evaluation, and classified the variant as likely benign (n=2) or VUS (n=1). Based on the evidence outlined above, the variant was classified as benign.

Illumina Laboratory Services, Illumina
Classification: Uncertain significance for GM1 gangliosidosis. Last evaluated: 2017-04-27. Review status: criteria provided, single submitter. Criteria: ICSL Variant Classification Criteria 13 December 2019. Collection method: clinical testing. Allele origin: germline.

Illumina Laboratory Services, Illumina
Classification: Uncertain significance for Mucopolysaccharidosis, MPS-IV-B. Last evaluated: 2017-04-27. Review status: criteria provided, single submitter. Criteria: ICSL Variant Classification Criteria 13 December 2019. Collection method: clinical testing. Allele origin: germline.

PreventionGenetics, part of Exact Sciences
Classification: Likely benign for GLB1-related condition. Last evaluated: 2021-07-28. Review status: no assertion criteria provided. Collection method: clinical testing. Allele origin: germline. Not counted in ClinVar's aggregate classification.
Comment: This variant is classified as likely benign based on ACMG/AMP sequence variant interpretation guidelines (Richards et al. 2015 PMID: 25741868, with internal and published modifications).

Counsyl
Classification: Likely benign for Infantile GM1 gangliosidosis; GM1 gangliosidosis type 2; GM1 gangliosidosis type 3; Mucopolysaccharidosis, MPS-IV-B. Last evaluated: 2017-09-29. Review status: no assertion criteria provided. Collection method: clinical testing. Allele origin: unknown. Not counted in ClinVar's aggregate classification.

Literature cited by the submitters: PubMed 26990548 (cited by 3 submitters); PubMed 28332257 (cited by Women's Health and Genetics/Laboratory Corporation of America, LabCorp); PubMed 34426522 (cited by Women's Health and Genetics/Laboratory Corporation of America, LabCorp).

NM_000404.4(GLB1):c.1310A>G (p.Asn437Ser)

Gene: GLB1 (galactosidase beta 1; minus strand). Cytogenetic location: 3p22.3.
Variant type: single nucleotide variant.
Coding change: c.1310A>G on transcript NM_000404.4 (MANE Select); coding-DNA position 1310, A replaced by G.
Protein change: p.Asn437Ser; replaces asparagine 437 with serine.
Molecular consequence: missense variant.
Genome position (GRCh38, 1-based): chr3:33,018,485, T>C on the plus strand (A>G on the coding strand, the complement: GLB1 is on the minus strand). VCF-style: chr3-33018485-T-C. GRCh37 (hg19) VCF-style: chr3-33059977-T-C.
Other names: p.Asn437Ser; c.1220A>G, p.Asn407Ser (NM_001079811.3); c.917A>G, p.Asn306Ser (NM_001135602.3); c.1454A>G, p.Asn485Ser (NM_001317040.2); c.1310A>G, p.Asn437Ser (NM_001393580.1); short protein forms N437S, N306S, N407S, N485S.
Identifiers: ClinVar variation 554101 (VCV000554101.23), dbSNP rs202237232, ClinGen allele CA2299431.